The following is an entry in ClinVar:

NM_198253.3(TERT):c.3089C>G (p.Thr1030Arg)

Gene: TERT (telomerase reverse transcriptase; minus strand). Cytogenetic location: 5p15.33.
Variant type: single nucleotide variant.
Coding change: c.3089C>G on transcript NM_198253.3 (MANE Select); coding-DNA position 3089, C replaced by G.
Protein change: p.Thr1030Arg; replaces threonine 1030 with arginine.
Molecular consequence: missense variant. On other transcripts: non-coding transcript variant (2).
Genome position (GRCh38, 1-based): chr5:1,255,355, G>C on the plus strand (C>G on the coding strand, the complement: TERT is on the minus strand). VCF-style: chr5-1255355-G-C. GRCh37 (hg19) VCF-style: chr5-1255470-G-C.
Other names: c.2900C>G, p.Thr967Arg (NM_001193376.3); short protein forms T1030R, T967R.
Identifiers: ClinVar variation 539224 (VCV000539224.13), dbSNP rs377419542, ClinGen allele CA3184291.

ClinVar aggregate classification (germline): Conflicting classifications of pathogenicity. Review status: criteria provided, conflicting classifications (1 of 4 stars). 3 submissions from 3 submitters: Uncertain significance (2); Likely benign (1). Last evaluated 2025-11-17.

Conditions:
TERT-related disorder. Also called: TERT-related disorders; TERT-related condition.
Idiopathic Pulmonary Fibrosis. Also called: Idiopathic fibrosing alveolitis, chronic form; idiopathic fibrosing alveolitis. Identifiers: Orphanet 2032, MedGen C1800706, MeSH D054990, MONDO:0800504.
Dyskeratosis congenita, autosomal dominant 2. Identifiers: MedGen C3151443, MONDO:0013521, OMIM 613989.
Dyskeratosis congenita. Identifiers: Orphanet 1775, MedGen C0265965, MONDO:0015780.

Allele frequency attached by ClinVar (database versions not stated): gnomAD exomes below 0.00001; ExAC 0.00001; gnomAD 0.00003 and 0.00004; TOPMed 0.00003; ESP Exome Variant Server 0.00008.
gnomAD v4.1: 6 of 1,614,110 alleles (0.00037%); highest among the groups gnomAD compares: African/African-American, 0.008%; no homozygotes.

Submissions (3):

Labcorp Genetics (formerly Invitae), Labcorp
Classification: Likely benign for Dyskeratosis congenita, autosomal dominant 2; Idiopathic Pulmonary Fibrosis. Last evaluated: 2025-11-17. Review status: criteria provided, single submitter. Criteria: Invitae Variant Classification Sherloc (09022015). Collection method: clinical testing. Allele origin: germline.

PreventionGenetics, part of Exact Sciences
Classification: Uncertain significance for TERT-related condition. Last evaluated: 2025-08-27. Review status: criteria provided, single submitter. Criteria: ACMG Guidelines, 2015. Collection method: clinical testing. Allele origin: germline.
Comment: The TERT c.3089C>G variant is predicted to result in the amino acid substitution p.Thr1030Arg. To our knowledge, this variant has not been reported in the literature. This variant is reported in 0.0083% of alleles in individuals of African descent in gnomAD. In ClinVar, this variant is interpreted as uncertain (ClinVar ID: 539224). At this time, the clinical significance of this variant is uncertain due to the absence of conclusive functional and genetic evidence.

Ambry Genetics
Classification: Uncertain significance for Dyskeratosis congenita. Last evaluated: 2022-08-30. Review status: criteria provided, single submitter. Criteria: Ambry Variant Classification Scheme 2023. Collection method: clinical testing. Allele origin: germline.
Comment: The p.T1030R variant (also known as c.3089C>G), located in coding exon 14 of the TERT gene, results from a C to G substitution at nucleotide position 3089. The threonine at codon 1030 is replaced by arginine, an amino acid with similar properties. This amino acid position is conserved. In addition, this alteration is predicted to be tolerated by in silico analysis. Since supporting evidence is limited at this time, the clinical significance of this alteration remains unclear.